The following is an entry in ClinVar:

NM_000257.4(MYH7):c.3190G>A (p.Glu1064Lys)

Gene: MYH7 (myosin heavy chain 7; minus strand). Cytogenetic location: 14q11.2.
Variant type: single nucleotide variant.
Coding change: c.3190G>A on transcript NM_000257.4 (MANE Select); coding-DNA position 3190, G replaced by A.
Protein change: p.Glu1064Lys; replaces glutamic acid 1064 with lysine.
Molecular consequence: missense variant.
Genome position (GRCh38, 1-based): chr14:23,422,235, C>T on the plus strand (G>A on the coding strand, the complement: MYH7 is on the minus strand). VCF-style: chr14-23422235-C-T. GRCh37 (hg19) VCF-style: chr14-23891444-C-T.
Other names: short protein forms E1064K.
Identifiers: ClinVar variation 1361727 (VCV001361727.9), dbSNP rs1892501366, ClinGen allele CA389045259.

ClinVar aggregate classification (germline): Uncertain significance. Review status: criteria provided, multiple submitters, no conflicts (2 of 4 stars). 2 submissions from 2 submitters: Uncertain significance (2). Last evaluated 2025-04-06.

Conditions:
Cardiovascular phenotype. Identifiers: MedGen CN230736.
Hypertrophic cardiomyopathy. Also called: HYPERTROPHIC MYOCARDIOPATHY. Identifiers: Orphanet 217569, MedGen C0007194, MeSH D002312, MONDO:0005045, HP:0001639.

Submissions (2):

Ambry Genetics
Classification: Uncertain significance for Cardiovascular phenotype. Last evaluated: 2025-04-06. Review status: criteria provided, single submitter. Criteria: Ambry Variant Classification Scheme 2023. Collection method: clinical testing. Allele origin: germline.
Comment: The p.E1064K variant (also known as c.3190G>A), located in coding exon 23 of the MYH7 gene, results from a G to A substitution at nucleotide position 3190. The glutamic acid at codon 1064 is replaced by lysine, an amino acid with similar properties. This variant has been reported in association with cardiomyopathy (McGurk KA et al. Am J Hum Genet, 2023 Sep;110:1482-1495). This amino acid position is highly conserved in available vertebrate species. In addition, this alteration is predicted to be deleterious by in silico analysis. Based on the available evidence, the clinical significance of this variant remains unclear.

Labcorp Genetics (formerly Invitae), Labcorp
Classification: Uncertain significance for Hypertrophic cardiomyopathy. Last evaluated: 2025-03-18. Review status: criteria provided, single submitter. Criteria: Invitae Variant Classification Sherloc (09022015). Collection method: clinical testing. Allele origin: germline.
Comment: This sequence change replaces glutamic acid, which is acidic and polar, with lysine, which is basic and polar, at codon 1064 of the MYH7 protein (p.Glu1064Lys). This variant is not present in population databases (gnomAD no frequency). This missense change has been observed in individual(s) with hypertrophic cardiomyopathy (PMID: 37652022; internal data). ClinVar contains an entry for this variant (Variation ID: 1361727). Invitae Evidence Modeling of protein sequence and biophysical properties (such as structural, functional, and spatial information, amino acid conservation, physicochemical variation, residue mobility, and thermodynamic stability) indicates that this missense variant is expected to disrupt MYH7 protein function with a positive predictive value of 95%. In summary, the available evidence is currently insufficient to determine the role of this variant in disease. Therefore, it has been classified as a Variant of Uncertain Significance.

Literature cited by the submitters: PubMed 37652022 (cited by Ambry Genetics and Labcorp Genetics (formerly Invitae), Labcorp).